The following is an entry in ClinVar:

NM_014669.5(NUP93):c.1463A>G (p.His488Arg)

Gene: NUP93 (nucleoporin 93; plus strand). Cytogenetic location: 16q13.
Variant type: single nucleotide variant.
Coding change: c.1463A>G on transcript NM_014669.5 (MANE Select); coding-DNA position 1463, A replaced by G.
Protein change: p.His488Arg; replaces histidine 488 with arginine.
Molecular consequence: missense variant.
Genome position (GRCh38, 1-based): chr16:56,833,332, A>G. VCF-style: chr16-56833332-A-G. GRCh37 (hg19) VCF-style: chr16-56867244-A-G.
Other names: c.1094A>G, p.His365Arg (NM_001242795.2, NM_001242796.2); short protein forms H365R, H488R.
Identifiers: ClinVar variation 813919 (VCV000813919.3), dbSNP rs1596856296, ClinGen allele CA395990204.

ClinVar aggregate classification (germline): Uncertain significance. Review status: criteria provided, multiple submitters, no conflicts (2 of 4 stars). 3 submissions from 3 submitters: Uncertain significance (3). Last evaluated 2025-04-25.

Conditions:
Nephrotic syndrome, type 12 (NPHS12). Identifiers: Orphanet 656, MedGen C4225166, MONDO:0014817, OMIM 616892.

gnomAD v4.1: 6 of 1,606,708 alleles (0.00037%); highest among the groups gnomAD compares: South Asian, 0.0045%; no homozygotes.

Submissions (3):

MVZ Medizinische Genetik Mainz
Classification: Uncertain significance for Nephrotic syndrome, type 12. Last evaluated: 2025-04-25. Review status: criteria provided, single submitter. Criteria: UK Practice Guidelines For Variant Classification V4 01 2020. Collection method: clinical testing. Allele origin: germline. Inheritance: Autosomal recessive inheritance. Affected: yes. Observed: 1 variant allele.
Comment: ACMG Criteria: PM3,PM2_SUP,PP3,PP4

Broad Center for Mendelian Genomics, Broad Institute of MIT and Harvard
Classification: Uncertain significance for Nephrotic syndrome, type 12. Last evaluated: 2018-12-03. Review status: criteria provided, single submitter. Criteria: ACMG Guidelines, 2015. Collection method: research. Allele origin: germline. Inheritance: Autosomal recessive inheritance. Affected: yes.
Comment: Computational prediction tools and conservation analyses suggest that this variant may impact the protein, though this information is not predictive enough to determine pathogenicity. In summary, the clinical significance of the p.His488Arg variant is uncertain. ACMG/AMP Criteria applied: PM2, PP3 (Richards 2015).

Neuberg Centre For Genomic Medicine, NCGM
Classification: Uncertain significance for Nephrotic syndrome, type 12. Review status: criteria provided, single submitter. Criteria: ACMG Guidelines, 2015. Collection method: clinical testing. Allele origin: germline. Inheritance: Autosomal recessive inheritance. Affected: yes.
Comment: The observed missense variant c.1463A>G (p.His488Arg) in NUP93 gene has not not been reported previously as a pathogenic variant nor as a benign variant, to our knowledge. The p.His488Arg variant is absent in gnomAD Exomes database. This variant has been submitted to the ClinVar database as Uncertain Significance. The amino acid change p.His488Arg in NUP93 is predicted as conserved by GERP++ and PhyloP across 100 vertebrates. The amino acid His at position 488 is changed to a Arg changing protein sequence and it might alter its composition and physico-chemical properties. For these reasons, this variant has been classified as a Variant of Uncertain Significance (VUS).